The following is an entry in ClinVar:

NM_002067.5(GNA11):c.889+8G>A

Gene: GNA11 (G protein subunit alpha 11; plus strand). Cytogenetic location: 19p13.3.
Variant type: single nucleotide variant.
Coding change: c.889+8G>A on transcript NM_002067.5 (MANE Select); 8 bases into the intron after coding-DNA position 889, G replaced by A.
Molecular consequence: intron variant.
Genome position (GRCh38, 1-based): chr19:3,119,367, G>A. VCF-style: chr19-3119367-G-A. GRCh37 (hg19) VCF-style: chr19-3119365-G-A.
Other names: c.889+8G>A (NM_002067.4).
Identifiers: ClinVar variation 1170134 (VCV001170134.12), dbSNP rs73527836, ClinGen allele CA9075047.
Genomic context (GRCh38, chr19:3,119,367, plus strand): 5'-GGAGGACAAGATCCTGTACTCGCACCTGGTGGACTACTTCCCCGAGTTCGATGGTGCGCC[G>A]GGCTGCGGCATGGGGAGGGGCTCGCGGGCAGGGCCTTACTGGGGGGAGGGGGCTGATATG-3'

ClinVar aggregate classification (germline): Benign/Likely benign. Review status: criteria provided, multiple submitters, no conflicts (2 of 4 stars). 3 submissions from 3 submitters: Benign (1); Likely benign (1). 1 of the submissions does not count toward it. Last evaluated 2025-08-11.

Conditions:
GNA11-related disorder. Also called: GNA11-related condition.

Allele frequency attached by ClinVar (database versions not stated): 1000 Genomes Project 0.00060; 1000 Genomes Project 30x 0.00062.
gnomAD v4.1: 369 of 1,612,558 alleles (0.023%); highest among the groups gnomAD compares: African/African-American, 0.071%; no homozygotes.

Submissions (3):

Labcorp Genetics (formerly Invitae), Labcorp
Classification: Benign. Last evaluated: 2025-08-11. Review status: criteria provided, single submitter. Criteria: Invitae Variant Classification Sherloc (09022015). Collection method: clinical testing. Allele origin: germline.

Blueprint Genetics
Classification: Likely benign. Last evaluated: 2024-11-18. Review status: criteria provided, single submitter. Criteria: ACMG Guidelines, 2015. Collection method: clinical testing. Allele origin: germline.

PreventionGenetics, part of Exact Sciences
Classification: Likely benign for GNA11-related condition. Last evaluated: 2020-10-27. Review status: no assertion criteria provided. Collection method: clinical testing. Allele origin: germline. Not counted in ClinVar's aggregate classification.
Comment: This variant is classified as likely benign based on ACMG/AMP sequence variant interpretation guidelines (Richards et al. 2015 PMID: 25741868, with internal and published modifications).